The following is an entry in ClinVar:

ClinVar aggregate classification (germline): Uncertain significance (1 of 4 stars; one submission).

Conditions:
Hereditary sensory and autonomic neuropathy type 6. Also called: HSAN VI; Neuropathy, hereditary sensory and autonomic, type VI. Identifiers: Orphanet 314381, MedGen C3539003, MONDO:0013839, OMIM 614653.
Epidermolysis bullosa simplex 3, localized or generalized intermediate, with BP230 deficiency (EBS3). Also called: Epidermolysis bullosa simplex due to BP230 deficiency; Epidermolysis bullosa simplex, autosomal recessive 2. Identifiers: Orphanet 412181, MedGen C3809470, MONDO:0014180, OMIM 615425.

gnomAD v4.1: 1 of 1,613,968 alleles (0.000062%); highest among the groups gnomAD compares: Non-Finnish European, 0.000085%; no homozygotes.

Submission:

Labcorp Genetics (formerly Invitae), Labcorp
Classification: Uncertain significance for Epidermolysis bullosa simplex 3, localized or generalized intermediate, with BP230 deficiency; Hereditary sensory and autonomic neuropathy type 6. Last evaluated: 2022-09-04. Review status: criteria provided, single submitter. Criteria: Invitae Variant Classification Sherloc (09022015). Collection method: clinical testing. Allele origin: germline.
Comment: The DST gene has multiple clinically relevant transcripts.This variant occurs in alternate transcript NM_015548.4, and corresponds to NM_001723.5:c.*21556A>C in the primary transcript. This sequence change replaces tyrosine, which is neutral and polar, with serine, which is neutral and polar, at codon 1520 of the DST protein (p.Tyr1520Ser). In summary, the available evidence is currently insufficient to determine the role of this variant in disease. Therefore, it has been classified as a Variant of Uncertain Significance. Experimental studies and prediction algorithms are not available or were not evaluated, and the functional significance of this variant is currently unknown. This variant has not been reported in the literature in individuals affected with DST-related conditions. This variant is not present in population databases (gnomAD no frequency).

NM_001374736.1(DST):c.12428A>C (p.Tyr4143Ser)

Genes: DST (dystonin; minus strand), LOC129996656 (ATAC-STARR-seq lymphoblastoid active region 24702; plus strand). Cytogenetic location: 6p12.1.
Variant type: single nucleotide variant.
Coding change: c.12428A>C on transcript NM_001374736.1 (MANE Select); coding-DNA position 12428, A replaced by C.
Protein change: p.Tyr4143Ser; replaces tyrosine 4143 with serine.
Molecular consequence: missense variant.
Genome position (GRCh38, 1-based): chr6:56,593,961, T>G on the plus strand (A>C on the coding strand, the complement: DST is on the minus strand). VCF-style: chr6-56593961-T-G. GRCh37 (hg19) VCF-style: chr6-56458759-T-G.
Other names: c.6071A>C, p.Tyr2024Ser (NM_001144769.5); c.5657A>C, p.Tyr1886Ser (NM_001144770.2); c.12428A>C, p.Tyr4143Ser (NM_001374722.1); c.11795A>C, p.Tyr3932Ser (NM_001374729.1); c.5537A>C, p.Tyr1846Ser (NM_001374730.1, NM_001386100.1, NM_183380.4); c.12455A>C, p.Tyr4152Ser (NM_001374734.1); c.4559A>C, p.Tyr1520Ser (NM_015548.5); short protein forms Y4143S, Y1520S, Y3932S, Y1846S, Y1886S, Y2024S, Y4152S.
Identifiers: ClinVar variation 1523730 (VCV001523730.8), dbSNP rs2152688766, ClinGen allele CA364526200.